The following is an entry in ClinVar:

NM_000091.5(COL4A3):c.3704C>G (p.Pro1235Arg)

Genes: COL4A3 (collagen type IV alpha 3 chain; plus strand), MFF-DT (MFF divergent transcript; minus strand). Cytogenetic location: 2q36.3.
Variant type: single nucleotide variant.
Coding change: c.3704C>G on transcript NM_000091.5 (MANE Select); coding-DNA position 3704, C replaced by G.
Protein change: p.Pro1235Arg; replaces proline 1235 with arginine.
Molecular consequence: missense variant.
Genome position (GRCh38, 1-based): chr2:227,297,812, C>G. VCF-style: chr2-227297812-C-G. GRCh37 (hg19) VCF-style: chr2-228162528-C-G.
Other names: short protein forms P1235R.
Identifiers: ClinVar variation 1703369 (VCV001703369.6), dbSNP rs955042051, ClinGen allele CA66610456.

ClinVar aggregate classification (germline): Uncertain significance. Review status: criteria provided, multiple submitters, no conflicts (2 of 4 stars). 2 submissions from 2 submitters: Uncertain significance (2). Last evaluated 2025-12-01.

Allele frequency attached by ClinVar (database versions not stated): gnomAD exomes 0.00001; TOPMed 0.00002.
gnomAD v4.1: 8 of 1,569,954 alleles (0.00051%); highest among the groups gnomAD compares: Admixed American, 0.011%; no homozygotes.

Submissions (2):

Labcorp Genetics (formerly Invitae), Labcorp
Classification: Uncertain significance. Last evaluated: 2025-12-01. Review status: criteria provided, single submitter. Criteria: Invitae Variant Classification Sherloc (09022015). Collection method: clinical testing. Allele origin: germline.
Comment: This sequence change replaces proline, which is neutral and non-polar, with arginine, which is basic and polar, at codon 1235 of the COL4A3 protein (p.Pro1235Arg). This variant is present in population databases (no rsID available, gnomAD 0.02%). This variant has not been reported in the literature in individuals affected with COL4A3-related conditions. ClinVar contains an entry for this variant (Variation ID: 1703369). Invitae Evidence Modeling of protein sequence and biophysical properties (such as structural, functional, and spatial information, amino acid conservation, physicochemical variation, residue mobility, and thermodynamic stability) has been performed for this missense variant. However, the output from this modeling did not meet the statistical confidence thresholds required to predict the impact of this variant on COL4A3 protein function. In summary, the available evidence is currently insufficient to determine the role of this variant in disease. Therefore, it has been classified as a Variant of Uncertain Significance.

GeneDx
Classification: Uncertain significance. Last evaluated: 2024-09-17. Review status: criteria provided, single submitter. Criteria: GeneDx Variant Classification Process June 2021. Collection method: clinical testing. Allele origin: germline.
Comment: In silico analysis indicates that this missense variant does not alter protein structure/function; Occurs in the triple helical domain within an interruption of the canonical Gly-X-Y repeat; Has not been previously published as pathogenic or benign to our knowledge